The following is an entry in ClinVar:

ClinVar aggregate classification (germline): Uncertain significance (1 of 4 stars; one submission).

Conditions:
Idiopathic generalized epilepsy. Also called: Generalised epilepsy; EIG. Identifiers: MedGen C0270850, MONDO:0005579, OMIM 600669.

Allele frequency attached by ClinVar (database versions not stated): gnomAD exomes 0.00001; TOPMed 0.00002; gnomAD 0.00003 and 0.00004.
gnomAD v4.1: 26 of 1,613,490 alleles (0.0016%); highest among the groups gnomAD compares: East Asian, 0.018%; no homozygotes.

Submission:

Labcorp Genetics (formerly Invitae), Labcorp
Classification: Uncertain significance for Idiopathic generalized epilepsy. Last evaluated: 2023-10-14. Review status: criteria provided, single submitter. Criteria: Invitae Variant Classification Sherloc (09022015). Collection method: clinical testing. Allele origin: germline.
Comment: This sequence change replaces aspartic acid, which is acidic and polar, with asparagine, which is neutral and polar, at codon 361 of the RBFOX1 protein (p.Asp361Asn). This variant is present in population databases (no rsID available, gnomAD 0.01%). This variant has not been reported in the literature in individuals affected with RBFOX1-related conditions. ClinVar contains an entry for this variant (Variation ID: 1387155). Advanced modeling of protein sequence and biophysical properties (such as structural, functional, and spatial information, amino acid conservation, physicochemical variation, residue mobility, and thermodynamic stability) performed at Invitae indicates that this missense variant is not expected to disrupt RBFOX1 protein function. In summary, the available evidence is currently insufficient to determine the role of this variant in disease. Therefore, it has been classified as a Variant of Uncertain Significance.

NM_018723.4(RBFOX1):c.1018G>A (p.Asp340Asn)

Genes: RBFOX1 (RNA binding fox-1 homolog 1; plus strand), LOC126862279 (MED14-independent group 3 enhancer GRCh37_chr16:7758954-7760153; plus strand). Cytogenetic location: 16p13.3.
Variant type: single nucleotide variant.
Coding change: c.1018G>A on transcript NM_018723.4 (MANE Select); coding-DNA position 1018, G replaced by A.
Protein change: p.Asp340Asn; replaces aspartic acid 340 with asparagine.
Molecular consequence: missense variant. On other transcripts: synonymous variant (2).
Genome position (GRCh38, 1-based): chr16:7,709,078, G>A. VCF-style: chr16-7709078-G-A. GRCh37 (hg19) VCF-style: chr16-7759080-G-A.
Other names: c.937G>A, p.Asp313Asn (NM_001142333.2); c.1018G>A, p.Asp340Asn (NM_001142334.2); c.1147G>A, p.Asp383Asn (NM_001308117.1); c.1071G>A, p.Pro357= (NM_001364800.2); c.1081G>A, p.Asp361Asn (NM_145891.3, NM_145892.3); c.1134G>A, p.Pro378= (NM_145893.3); short protein forms D361N, D313N, D340N, D383N.
Identifiers: ClinVar variation 1387155 (VCV001387155.6), dbSNP rs1403788049, ClinGen allele CA394795507.